The following is an entry in ClinVar:

ClinVar aggregate classification (germline): Uncertain significance (1 of 4 stars; one submission).

Allele frequency attached by ClinVar (database versions not stated): gnomAD exomes below 0.00001.
gnomAD v4.1: 2 of 1,613,002 alleles (0.00012%); highest among the groups gnomAD compares: Non-Finnish European, 0.00017%; no homozygotes.

Submission:

Labcorp Genetics (formerly Invitae), Labcorp
Classification: Uncertain significance. Last evaluated: 2023-01-31. Review status: criteria provided, single submitter. Criteria: Invitae Variant Classification Sherloc (09022015). Collection method: clinical testing. Allele origin: germline.
Comment: This variant has not been reported in the literature in individuals affected with GUCY2C-related conditions. In summary, the available evidence is currently insufficient to determine the role of this variant in disease. Therefore, it has been classified as a Variant of Uncertain Significance. Algorithms developed to predict the effect of sequence changes on RNA splicing suggest that this variant may create or strengthen a splice site. This variant is not present in population databases (gnomAD no frequency). This sequence change affects codon 621 of the GUCY2C mRNA. It is a 'silent' change, meaning that it does not change the encoded amino acid sequence of the GUCY2C protein.

NM_004963.4(GUCY2C):c.1863A>C (p.Val621=)

Gene: GUCY2C (guanylate cyclase 2C; minus strand). Cytogenetic location: 12p12.3.
Variant type: single nucleotide variant.
Coding change: c.1863A>C on transcript NM_004963.4 (MANE Select); coding-DNA position 1863, A replaced by C.
Protein change: p.Val621=; no amino-acid change (valine 621 retained).
Molecular consequence: synonymous variant.
Genome position (GRCh38, 1-based): chr12:14,643,641, T>G on the plus strand (A>C on the coding strand, the complement: GUCY2C is on the minus strand). VCF-style: chr12-14643641-T-G. GRCh37 (hg19) VCF-style: chr12-14796575-T-G.
Identifiers: ClinVar variation 2833247 (VCV002833247.3), dbSNP rs2497688729, ClinGen allele CA478713252.